The following is an entry in ClinVar:

ClinVar aggregate classification (germline): Pathogenic (1 of 4 stars; one submission).

Submission:

Labcorp Genetics (formerly Invitae), Labcorp
Classification: Pathogenic. Last evaluated: 2024-11-13. Review status: criteria provided, single submitter. Criteria: Invitae Variant Classification Sherloc (09022015). Collection method: clinical testing. Allele origin: germline.
Comment: This sequence change creates a premature translational stop signal (p.Leu310Phefs*26) in the TSFM gene. While this is not anticipated to result in nonsense mediated decay, it is expected to disrupt the last 37 amino acid(s) of the TSFM protein. This variant is not present in population databases (gnomAD no frequency). This variant has not been reported in the literature in individuals affected with TSFM-related conditions. This variant disrupts a region of the TSFM protein in which other variant(s) (p.Cys336Tyr) have been determined to be pathogenic (PMID: 25037205). This suggests that this is a clinically significant region of the protein, and that variants that disrupt it are likely to be disease-causing. For these reasons, this variant has been classified as Pathogenic.

Literature cited by the submitters: PubMed 25037205.

NM_005726.6(TSFM):c.866dup (p.Leu289fs)

Gene: TSFM (Ts translation elongation factor, mitochondrial; plus strand). Cytogenetic location: 12q14.1.
Variant type: Duplication.
Coding change: c.866dup on transcript NM_005726.6 (MANE Select); coding-DNA position 866, one base duplicated (T; older notation c.866dupT).
Protein change: p.Leu289fs; shifts the reading frame from leucine 289.
Molecular consequence: frameshift variant. On other transcripts: 3 prime UTR variant (1), intron variant (1).
Genome position (GRCh38, 1-based): chr12:57,796,471, T duplicated; the last of 3 consecutive T bases (chr12:57,796,469-57,796,471); duplicating any one gives the same sequence. VCF-style (leftmost placement, unchanged base first): chr12-57796468-A-AT. GRCh37 (hg19) VCF-style: chr12-58190251-A-AT.
Other names: c.*274dup (NM_001172695.2); c.929dup, p.Leu310fs (NM_001172696.2); c.571+3398dup (NM_001172697.2); short protein forms L289fs, L310fs.
Identifiers: ClinVar variation 3725184 (VCV003725184.2).